The following is an entry in ClinVar:

NM_000138.5(FBN1):c.5927A>G (p.Glu1976Gly)

Gene: FBN1 (fibrillin 1; minus strand). Cytogenetic location: 15q21.1.
Variant type: single nucleotide variant.
Coding change: c.5927A>G on transcript NM_000138.5 (MANE Select); coding-DNA position 5927, A replaced by G.
Protein change: p.Glu1976Gly; replaces glutamic acid 1976 with glycine.
Molecular consequence: missense variant.
Genome position (GRCh38, 1-based): chr15:48,444,651, T>C on the plus strand (A>G on the coding strand, the complement: FBN1 is on the minus strand). VCF-style: chr15-48444651-T-C. GRCh37 (hg19) VCF-style: chr15-48736848-T-C.
Other names: short protein forms E1976G.
Identifiers: ClinVar variation 549319 (VCV000549319.3), dbSNP rs1555395665, ClinGen allele CA392339885.

ClinVar aggregate classification (germline): Uncertain significance. Review status: criteria provided, single submitter (1 of 4 stars). 2 submissions from 2 submitters: Uncertain significance (1). 1 of the submissions does not count toward it. Last evaluated 2017-03-14.

Conditions:
Familial thoracic aortic aneurysm and aortic dissection (TAAD). Also called: Thoracic aortic aneurysms and dissections. Identifiers: Orphanet 91387, MedGen C4707243, MONDO:0019625.
Marfan syndrome (MFS). Also called: Marfan syndrome type 1; Marfan syndrome, classic; Marfan's syndrome; FBN1-Related Marfan Syndrome; MARFAN SYNDROME, TYPE I. Identifiers: Orphanet 284963, Orphanet 558, MedGen C0024796, MONDO:0007947, OMIM 154700.

Submissions (2):

Ambry Genetics
Classification: Uncertain significance for Familial thoracic aortic aneurysm and aortic dissection. Last evaluated: 2017-03-14. Review status: criteria provided, single submitter. Criteria: Ambry Variant Classification Scheme 2023. Collection method: clinical testing. Allele origin: germline.
Comment: The p.E1976G variant (also known as c.5927A>G), located in coding exon 48 of the FBN1 gene, results from an A to G substitution at nucleotide position 5927. The glutamic acid at codon 1976 is replaced by glycine, an amino acid with similar properties, and is located in the cbEGF-like domain #30. This alteration has been identified in a single individual meeting Ghent criteria for Marfan syndrome (Baetens M et al. Hum. Mutat., 2011 Sep;32:1053-62). Another alteration affecting this amino acid (p.E1976K, c.5926G>A) has been reported in individuals with suspected Marfan syndrome (Howarth R et al. Genet. Test., 2007;11:146-52; Robinson DO et al. Clin. Genet., 2012 Sep;82:223-31). This amino acid position is highly conserved in available vertebrate species. In addition, this alteration is predicted to be deleterious by in silico analysis. Since supporting evidence is limited at this time, the clinical significance of this alteration remains unclear.

Center for Medical Genetics Ghent, University of Ghent
Classification: Uncertain significance for Marfan syndrome. Last evaluated: 2017-11-07. Review status: no assertion criteria provided. Collection method: clinical testing. Allele origin: germline. Affected: yes. Not counted in ClinVar's aggregate classification.

Literature cited by the submitters: PubMed 21542060 (cited by Ambry Genetics); PubMed 21895641 (cited by Ambry Genetics).